The following is an entry in ClinVar:

NM_139076.3(ABRAXAS1):c.92G>A (p.Gly31Asp)

Gene: ABRAXAS1 (abraxas 1, BRCA1 A complex subunit; minus strand). Cytogenetic location: 4q21.23.
Variant type: single nucleotide variant.
Coding change: c.92G>A on transcript NM_139076.3 (MANE Select); coding-DNA position 92, G replaced by A.
Protein change: p.Gly31Asp; replaces glycine 31 with aspartic acid.
Molecular consequence: missense variant. On other transcripts: 5 prime UTR variant (1).
Genome position (GRCh38, 1-based): chr4:83,482,240, C>T on the plus strand (G>A on the coding strand, the complement: ABRAXAS1 is on the minus strand). VCF-style: chr4-83482240-C-T. GRCh37 (hg19) VCF-style: chr4-84403393-C-T.
Other names: c.-169G>A (NM_001345962.2); short protein forms G31D.
Identifiers: ClinVar variation 3994431 (VCV003994431.1).

ClinVar aggregate classification (germline): Uncertain significance (1 of 4 stars; one submission).

gnomAD v4.1: 1 of 1,601,458 alleles (0.000062%); highest among the groups gnomAD compares: Admixed American, 0.0017%; no homozygotes.

Submission:

Ambry Genetics
Classification: Uncertain significance. Last evaluated: 2025-04-07. Review status: criteria provided, single submitter. Criteria: Ambry Variant Classification Scheme 2023. Collection method: clinical testing. Allele origin: germline.
Comment: The p.G31D variant (also known as c.92G>A), located in coding exon 2 of the FAM175A gene, results from a G to A substitution at nucleotide position 92. The glycine at codon 31 is replaced by aspartic acid, an amino acid with similar properties. This amino acid position is conserved. In addition, this alteration is predicted to be deleterious by in silico analysis. Based on the available evidence, the clinical significance of this variant remains unclear.